The following is an entry in ClinVar:

NM_003737.4(DCHS1):c.2522C>T (p.Ala841Val)

Gene: DCHS1 (dachsous cadherin-related 1; minus strand). Cytogenetic location: 11p15.4.
Variant type: single nucleotide variant.
Coding change: c.2522C>T on transcript NM_003737.4 (MANE Select); coding-DNA position 2522, C replaced by T.
Protein change: p.Ala841Val; replaces alanine 841 with valine.
Molecular consequence: missense variant.
Genome position (GRCh38, 1-based): chr11:6,632,990, G>A on the plus strand (C>T on the coding strand, the complement: DCHS1 is on the minus strand). VCF-style: chr11-6632990-G-A. GRCh37 (hg19) VCF-style: chr11-6654221-G-A.
Other names: c.2522C>T (NM_003737.2); short protein forms A841V.
Identifiers: ClinVar variation 1984840 (VCV001984840.7), dbSNP rs761366299, ClinGen allele CA5860705.

ClinVar aggregate classification (germline): Uncertain significance. Review status: criteria provided, multiple submitters, no conflicts (2 of 4 stars). 2 submissions from 2 submitters: Uncertain significance (2). Last evaluated 2025-05-05.

Allele frequency attached by ClinVar (database versions not stated): gnomAD 0.00001; ExAC 0.00002; TOPMed 0.00003.
gnomAD v4.1: 13 of 1,613,538 alleles (0.00081%); highest among the groups gnomAD compares: African/African-American, 0.0013%; no homozygotes.

Submissions (2):

Labcorp Genetics (formerly Invitae), Labcorp
Classification: Uncertain significance. Last evaluated: 2025-05-05. Review status: criteria provided, single submitter. Criteria: Invitae Variant Classification Sherloc (09022015). Collection method: clinical testing. Allele origin: germline.
Comment: This sequence change replaces alanine, which is neutral and non-polar, with valine, which is neutral and non-polar, at codon 841 of the DCHS1 protein (p.Ala841Val). This variant is present in population databases (rs761366299, gnomAD 0.002%). This variant has not been reported in the literature in individuals affected with DCHS1-related conditions. ClinVar contains an entry for this variant (Variation ID: 1984840). Invitae Evidence Modeling of protein sequence and biophysical properties (such as structural, functional, and spatial information, amino acid conservation, physicochemical variation, residue mobility, and thermodynamic stability) indicates that this missense variant is not expected to disrupt DCHS1 protein function with a negative predictive value of 80%. In summary, the available evidence is currently insufficient to determine the role of this variant in disease. Therefore, it has been classified as a Variant of Uncertain Significance.

Revvity Omics, Revvity
Classification: Uncertain significance. Last evaluated: 2020-10-10. Review status: criteria provided, single submitter. Criteria: ACMG Guidelines, 2015. Collection method: clinical testing. Allele origin: germline.